The following is an entry in ClinVar:

ClinVar aggregate classification (germline): Benign (1 of 4 stars; one submission).

Allele frequency attached by ClinVar (database versions not stated): 1000 Genomes Project 0.00100; 1000 Genomes Project 30x 0.00125; TOPMed 0.00216; gnomAD 0.00245; gnomAD exomes 0.00253; ExAC 0.00544.
gnomAD v4.1: 3,164 of 1,250,244 alleles (0.25%); highest among the groups gnomAD compares: Middle Eastern, 0.62%; 10 homozygotes.

Submission:

CeGaT Center for Human Genetics Tuebingen
Classification: Benign. Last evaluated: 2024-04-01. Review status: criteria provided, single submitter. Criteria: CeGaT Center For Human Genetics Tuebingen Variant Classification Criteria Version 2. Collection method: clinical testing. Allele origin: germline. Affected: yes. Observed: 2 variant alleles.
Comment: NEK11: BP4, BS1, BS2

NM_024800.5(NEK11):c.1399+13845A>G

Gene: NEK11 (NIMA related kinase 11; plus strand). Cytogenetic location: 3q22.1.
Variant type: single nucleotide variant.
Coding change: c.1399+13845A>G on transcript NM_024800.5 (MANE Select); 13845 bases into the intron after coding-DNA position 1399, A replaced by G.
Molecular consequence: intron variant. On other transcripts: missense variant (1).
Genome position (GRCh38, 1-based): chr3:131,184,732, A>G. VCF-style: chr3-131184732-A-G. GRCh37 (hg19) VCF-style: chr3-130903576-A-G.
Other names: c.1430A>G, p.Tyr477Cys (NM_001321223.1); c.955+13845A>G (NM_001353038.2, NM_001353040.2, NM_001353041.2 and 4 more transcripts); c.1525+13845A>G (NM_001353022.2, NM_001321221.2, NM_001353026.2); c.1399+13845A>G (NM_001353023.2, NM_001353029.2, NM_001353028.2 and 2 more transcripts); c.1084+13845A>G (NM_001353045.2, NM_001353032.2, NM_001353044.2 and 1 more transcripts); c.1396+13845A>G (NM_001353024.2, NM_001353025.2); c.1081+13845A>G (NM_001353033.2, NM_001353034.2); c.1291+13845A>G (NM_001353027.2, NM_001353030.2, NM_001353031.2); and 3 more; short protein forms Y477C.
Identifiers: ClinVar variation 2654152 (VCV002654152.24), dbSNP rs180926777, ClinGen allele CA2616396.